The following is an entry in ClinVar:

NM_001012339.3(DNAJC21):c.954A>G (p.Ala318=)

Gene: DNAJC21 (DnaJ heat shock protein family (Hsp40) member C21; plus strand). Cytogenetic location: 5p13.2.
Variant type: single nucleotide variant.
Coding change: c.954A>G on transcript NM_001012339.3 (MANE Select); coding-DNA position 954, A replaced by G.
Protein change: p.Ala318=; no amino-acid change (alanine 318 retained).
Molecular consequence: synonymous variant.
Genome position (GRCh38, 1-based): chr5:34,941,154, A>G. VCF-style: chr5-34941154-A-G. GRCh37 (hg19) VCF-style: chr5-34941259-A-G.
Other names: c.954A>G (NM_001012339.2); c.954A>G, p.Ala318= (NM_001348420.2, NM_194283.4).
Identifiers: ClinVar variation 1560316 (VCV001560316.12), dbSNP rs199548896, ClinGen allele CA3228638.

ClinVar aggregate classification (germline): Likely benign. Review status: criteria provided, multiple submitters, no conflicts (2 of 4 stars). 4 submissions from 4 submitters: Likely benign (3). 1 of the submissions does not count toward it. Last evaluated 2026-03-01.

Conditions:
DNAJC21-related disorder. Also called: DNAJC21-related condition.

Allele frequency attached by ClinVar (database versions not stated): TOPMed 0.00004; gnomAD 0.00005 and 0.00006; gnomAD exomes 0.00005 and 0.00007; ExAC 0.00006.

Submissions (4):

CeGaT Center for Human Genetics Tuebingen
Classification: Likely benign. Last evaluated: 2026-03-01. Review status: criteria provided, single submitter. Criteria: CeGaT Center For Human Genetics Tuebingen Variant Classification Criteria Version 2. Collection method: clinical testing. Allele origin: germline. Affected: yes. Observed: 1 variant allele.
Comment: DNAJC21: BP4, BP7

Labcorp Genetics (formerly Invitae), Labcorp
Classification: Likely benign. Last evaluated: 2026-01-01. Review status: criteria provided, single submitter. Criteria: Invitae Variant Classification Sherloc (09022015). Collection method: clinical testing. Allele origin: germline.

Blueprint Genetics
Classification: Likely benign. Last evaluated: 2024-05-23. Review status: criteria provided, single submitter. Criteria: ACMG Guidelines, 2015. Collection method: clinical testing. Allele origin: germline.

PreventionGenetics, part of Exact Sciences
Classification: Likely benign for DNAJC21-related condition. Last evaluated: 2024-08-26. Review status: no assertion criteria provided. Collection method: clinical testing. Allele origin: germline. Not counted in ClinVar's aggregate classification.
Comment: This variant is classified as likely benign based on ACMG/AMP sequence variant interpretation guidelines (Richards et al. 2015 PMID: 25741868, with internal and published modifications).